The following is an entry in ClinVar:

NM_201384.3(PLEC):c.12718G>A (p.Ala4240Thr)

Gene: PLEC (plectin; minus strand). Cytogenetic location: 8q24.3.
Variant type: single nucleotide variant.
Coding change: c.12718G>A on transcript NM_201384.3 (MANE Select); coding-DNA position 12718, G replaced by A.
Protein change: p.Ala4240Thr; replaces alanine 4240 with threonine.
Molecular consequence: missense variant.
Genome position (GRCh38, 1-based): chr8:143,917,103, C>T on the plus strand (G>A on the coding strand, the complement: PLEC is on the minus strand). VCF-style: chr8-143917103-C-T. GRCh37 (hg19) VCF-style: chr8-144991271-C-T.
Other names: p.Ala4267Thr; c.12799G>A, p.Ala4267Thr (NM_000445.5); c.12676G>A, p.Ala4226Thr (NM_201378.4); c.12652G>A, p.Ala4218Thr (NM_201379.3); c.13129G>A, p.Ala4377Thr (NM_201380.4); c.12622G>A, p.Ala4208Thr (NM_201381.3); c.12718G>A, p.Ala4240Thr (NM_201382.4); c.12730G>A, p.Ala4244Thr (NM_201383.3); short protein forms A4240T, A4218T, A4226T, A4267T, A4208T, A4244T, A4377T.
Identifiers: ClinVar variation 283767 (VCV000283767.42), dbSNP rs201688261, ClinGen allele CA4924000.

ClinVar aggregate classification (germline): Conflicting classifications of pathogenicity. Review status: criteria provided, conflicting classifications (1 of 4 stars). 7 submissions from 7 submitters: Uncertain significance (4); Likely benign (3). Last evaluated 2025-12-23.

Conditions:
Epidermolysis bullosa simplex, Ogna type (EBS5A). Also called: Pidermolysis bullosa simplex 5A, Ogna type; EPIDERMOLYSIS BULLOSA SIMPLEX 5A, OGNA TYPE. Identifiers: Orphanet 79401, MedGen C0432317, MONDO:0007555, OMIM 131950.
Epidermolysis bullosa simplex with nail dystrophy (EBS5D). Identifiers: MedGen C4225309, MONDO:0014661, OMIM 616487.
Autosomal recessive limb-girdle muscular dystrophy type 2Q (LGMDR17). Also called: MUSCULAR DYSTROPHY, LIMB-GIRDLE, AUTOSOMAL RECESSIVE 17. Identifiers: Orphanet 254361, MedGen C3150989, MONDO:0013390, OMIM 613723.
Epidermolysis bullosa simplex 5C, with pyloric atresia (EBS5C). Also called: Epidermolysis bullosa simplex with pyloric atresia; PLEC1-Related Epidermolysis Bullosa with Pyloric Atresia; PLEC-Related Epidermolysis Bullosa with Pyloric Atresia. Identifiers: Orphanet 158684, MedGen C2677349, MONDO:0012807, OMIM 612138.
Epidermolysis bullosa simplex 5B, with muscular dystrophy (EBS5B). Also called: Epidermolysis bullosa simplex with muscular dystrophy; EPIDERMOLYSIS BULLOSA SIMPLEX AND LIMB-GIRDLE MUSCULAR DYSTROPHY. Identifiers: Orphanet 257, MedGen C2931072, MONDO:0009181, OMIM 226670.
PLEC-related disorder. Also called: PLEC-related disorders; PLEC-related condition.

Allele frequency attached by ClinVar (database versions not stated): gnomAD exomes 0.00028; ExAC 0.00029; TOPMed 0.00036; gnomAD 0.00037 and 0.00038; 1000 Genomes Project 0.00040; 1000 Genomes Project 30x 0.00047; ESP Exome Variant Server 0.00047.
gnomAD v4.1: 862 of 1,605,472 alleles (0.054%); highest among the groups gnomAD compares: Non-Finnish European, 0.064%; 1 homozygote.

Submissions (7):

Labcorp Genetics (formerly Invitae), Labcorp
Classification: Uncertain significance for Autosomal recessive limb-girdle muscular dystrophy type 2Q; Epidermolysis bullosa simplex, Ogna type; Epidermolysis bullosa simplex with nail dystrophy; Epidermolysis bullosa simplex 5C, with pyloric atresia; Epidermolysis bullosa simplex 5B, with muscular dystrophy. Last evaluated: 2025-12-23. Review status: criteria provided, single submitter. Criteria: Invitae Variant Classification Sherloc (09022015). Collection method: clinical testing. Allele origin: germline.
Comment: This sequence change replaces alanine, which is neutral and non-polar, with threonine, which is neutral and polar, at codon 4267 of the PLEC protein (p.Ala4267Thr). This variant is present in population databases (rs201688261, gnomAD 0.04%). This variant has not been reported in the literature in individuals affected with PLEC-related conditions. ClinVar contains an entry for this variant (Variation ID: 283767). Invitae Evidence Modeling of protein sequence and biophysical properties (such as structural, functional, and spatial information, amino acid conservation, physicochemical variation, residue mobility, and thermodynamic stability) indicates that this missense variant is not expected to disrupt PLEC protein function with a negative predictive value of 80%. In summary, the available evidence is currently insufficient to determine the role of this variant in disease. Therefore, it has been classified as a Variant of Uncertain Significance.

PreventionGenetics, part of Exact Sciences
Classification: Uncertain significance for PLEC-related condition. Last evaluated: 2025-12-02. Review status: criteria provided, single submitter. Criteria: ACMG Guidelines, 2015. Collection method: clinical testing. Allele origin: germline.
Comment: The PLEC c.12799G>A variant is predicted to result in the amino acid substitution p.Ala4267Thr. To our knowledge, this variant has not been reported in the literature. This variant is reported in 0.045% of alleles in individuals of European (Non-Finnish) descent in gnomAD. At this time, the clinical significance of this variant is uncertain due to the absence of conclusive functional and genetic evidence.

CeGaT Center for Human Genetics Tuebingen
Classification: Likely benign. Last evaluated: 2025-08-01. Review status: criteria provided, single submitter. Criteria: CeGaT Center For Human Genetics Tuebingen Variant Classification Criteria Version 2. Collection method: clinical testing. Allele origin: germline. Affected: yes. Observed: 2 variant alleles.
Comment: PLEC: BP4

Blueprint Genetics
Classification: Likely benign. Last evaluated: 2024-11-18. Review status: criteria provided, single submitter. Criteria: ACMG Guidelines, 2015. Collection method: clinical testing. Allele origin: germline.

Mayo Clinic Laboratories, Mayo Clinic
Classification: Uncertain significance. Last evaluated: 2024-03-15. Review status: criteria provided, single submitter. Criteria: ACMG Guidelines, 2015. Collection method: clinical testing. Allele origin: germline. Observed: 1 variant allele.
Comment: BP4

GeneDx
Classification: Likely benign. Last evaluated: 2019-04-11. Review status: criteria provided, single submitter. Criteria: GeneDx Variant Classification Process June 2021. Collection method: clinical testing. Allele origin: germline. Affected: yes.

Eurofins Ntd Llc (ga)
Classification: Uncertain significance. Last evaluated: 2017-07-21. Review status: criteria provided, single submitter. Criteria: EGL Classification Definitions 2015. Collection method: clinical testing. Allele origin: germline. Observed: 7 variant alleles, 7 heterozygotes.